The following is an entry in ClinVar:

NC_012920.1(MT-TP):m.16017T>C

Gene: MT-TP (mitochondrially encoded tRNA proline; minus strand).
Variant type: single nucleotide variant.
Genome position: chrM-16017-T-C.
Identifiers: ClinVar variation 690275 (VCV000690275.1), dbSNP rs201864830, ClinGen allele CA337100625.

ClinVar aggregate classification (germline): Benign (1 of 4 stars; one submission).

Conditions:
MELAS syndrome (MELAS). Also called: Juvenile myopathy, encephalopathy, lactic acidosis, stroke. Identifiers: Orphanet 550, MedGen C0162671, MONDO:0010789, OMIM 540000.

Submission:

Wong Mito Lab, Molecular and Human Genetics, Baylor College of Medicine
Classification: Benign for MELAS syndrome. Last evaluated: 2019-07-12. Review status: criteria provided, single submitter. Criteria: Modified ACMG Guidelines (Unpublished). Collection method: clinical testing. Allele origin: germline.
Comment: The NC_012920.1:m.16017T>C variant in MT-TP gene is interpreted to be a Benign variant based on the modified ACMG guidelines (unpublished). This variant meets the following evidence codes reported in the guidelines: BS1, BS2, BP4

Literature cited by the submitters: PubMed 31965079.